The following is an entry in ClinVar:

NM_024753.5(TTC21B):c.1537A>G (p.Asn513Asp)

Gene: TTC21B (tetratricopeptide repeat domain 21B; minus strand). Cytogenetic location: 2q24.3.
Variant type: single nucleotide variant.
Coding change: c.1537A>G on transcript NM_024753.5 (MANE Select); coding-DNA position 1537, A replaced by G.
Protein change: p.Asn513Asp; replaces asparagine 513 with aspartic acid.
Molecular consequence: missense variant.
Genome position (GRCh38, 1-based): chr2:165,919,413, T>C on the plus strand (A>G on the coding strand, the complement: TTC21B is on the minus strand). VCF-style: chr2-165919413-T-C. GRCh37 (hg19) VCF-style: chr2-166775923-T-C.
Other names: short protein forms N513D.
Identifiers: ClinVar variation 1368460 (VCV001368460.6), dbSNP rs939423391, ClinGen allele CA59802742.
Genomic context (GRCh38, chr2:165,919,413, plus strand): 5'-CTAGCAGCAGATGAGCATCAGCATAAGAGGGATTGTGTTCTAAGCAGTGCTGAAGGTTAT[T>C]GAAAGCTGCTTCAATATCACCTAATAAGAAAAACAATGCATTGTTATAATTCAAATGATT-3'
Protein context (NP_079029.3, residues 503-523): YLSGDIEAAF[Asn513Asp]NLQHCLEHNP

ClinVar aggregate classification (germline): Uncertain significance (1 of 4 stars; one submission).

Conditions:
Jeune thoracic dystrophy. Also called: Jeune syndrome; Infantile thoracic dystrophy; Thoracic pelvic phalangeal dystrophy; Jeune's syndrome; Chondroectodermal dysplasia-like syndrome; Short-rib thoracic dysplasia. Identifiers: Orphanet 474, MedGen C0265275, MONDO:0018770.
Nephronophthisis. Also called: Juvenile Nephronophthisis. Identifiers: Orphanet 655, MedGen C0687120, MONDO:0019005, HP:0000090.

Allele frequency attached by ClinVar (database versions not stated): gnomAD exomes below 0.00001; TOPMed below 0.00001.
gnomAD v4.1: 1 of 1,614,084 alleles (0.000062%); highest among the groups gnomAD compares: Non-Finnish European, 0.000085%; no homozygotes.

Submission:

Labcorp Genetics (formerly Invitae), Labcorp
Classification: Uncertain significance for Jeune thoracic dystrophy; Nephronophthisis. Last evaluated: 2024-10-26. Review status: criteria provided, single submitter. Criteria: Invitae Variant Classification Sherloc (09022015). Collection method: clinical testing. Allele origin: germline.
Comment: This sequence change replaces asparagine, which is neutral and polar, with aspartic acid, which is acidic and polar, at codon 513 of the TTC21B protein (p.Asn513Asp). This variant is not present in population databases (gnomAD no frequency). This variant has not been reported in the literature in individuals affected with TTC21B-related conditions. ClinVar contains an entry for this variant (Variation ID: 1368460). Invitae Evidence Modeling of protein sequence and biophysical properties (such as structural, functional, and spatial information, amino acid conservation, physicochemical variation, residue mobility, and thermodynamic stability) indicates that this missense variant is not expected to disrupt TTC21B protein function with a negative predictive value of 95%. In summary, the available evidence is currently insufficient to determine the role of this variant in disease. Therefore, it has been classified as a Variant of Uncertain Significance.